The following is an entry in ClinVar:

NM_001161352.2(KCNMA1):c.2318G>A (p.Gly773Glu)

Genes: KCNMA1 (potassium calcium-activated channel subfamily M alpha 1; minus strand), KCNMA1-AS1 (KCNMA1 antisense RNA 1; plus strand). Cytogenetic location: 10q22.3.
Variant type: single nucleotide variant.
Coding change: c.2318G>A on transcript NM_001161352.2 (MANE Select); coding-DNA position 2318, G replaced by A.
Protein change: p.Gly773Glu; replaces glycine 773 with glutamic acid.
Molecular consequence: missense variant.
Genome position (GRCh38, 1-based): chr10:76,970,016, C>T on the plus strand (G>A on the coding strand, the complement: KCNMA1 is on the minus strand). VCF-style: chr10-76970016-C-T. GRCh37 (hg19) VCF-style: chr10-78729774-C-T.
Other names: c.2156G>A, p.Gly719Glu (NM_001014797.3, NM_001322835.2, NM_001322837.2); c.2144G>A, p.Gly715Glu (NM_001161353.2, NM_001322832.2, NM_001410940.1 and 1 more transcripts); c.1994G>A, p.Gly665Glu (NM_001271518.2); c.2153G>A, p.Gly718Glu (NM_001271519.2, NM_001322829.2, NM_001322836.2); c.2165G>A, p.Gly722Glu (NM_001322830.2); c.1691G>A, p.Gly564Glu (NM_001322838.2); short protein forms G564E, G665E, G715E, G718E, G719E, G722E, G773E.
Identifiers: ClinVar variation 3340229 (VCV003340229.2).

ClinVar aggregate classification (germline): Uncertain significance. Review status: criteria provided, multiple submitters, no conflicts (2 of 4 stars). 2 submissions from 2 submitters: Uncertain significance (2). Last evaluated 2025-10-31.

gnomAD v4.1: 9 of 1,614,078 alleles (0.00056%); highest among the groups gnomAD compares: Non-Finnish European, 0.00068%; no homozygotes.

Submissions (2):

Women's Health and Genetics/Laboratory Corporation of America, LabCorp
Classification: Uncertain significance. Last evaluated: 2025-10-31. Review status: criteria provided, single submitter. Criteria: LabCorp Variant Classification Summary - May 2015. Collection method: clinical testing. Allele origin: germline.
Comment: Variant summary: KCNMA1 c.2318G>A (p.Gly773Glu) results in a non-conservative amino acid change in the encoded protein sequence. Algorithms developed to predict the effect of missense changes on protein structure and function are either unavailable or do not agree on the potential impact of this missense change. The variant allele was found at a frequency of 4e-06 in 251464 control chromosomes. The available data on variant occurrences in the general population are insufficient to allow any conclusion about variant significance. To our knowledge, no occurrence of c.2318G>A in individuals affected with KCNMA1-related conditions and no experimental evidence demonstrating its impact on protein function have been reported. ClinVar contains an entry for this variant (Variation ID: 3340229). Based on the evidence outlined above, the variant was classified as uncertain significance.

GeneDx
Classification: Uncertain significance. Last evaluated: 2024-02-10. Review status: criteria provided, single submitter. Criteria: GeneDx Variant Classification Process June 2021. Collection method: clinical testing. Allele origin: germline. Affected: yes.
Comment: Not observed at significant frequency in large population cohorts (gnomAD); In silico analysis supports that this missense variant has a deleterious effect on protein structure/function; Has not been previously published as pathogenic or benign to our knowledge